The following is an entry in ClinVar:

ClinVar aggregate classification (germline): Uncertain significance (1 of 4 stars; one submission).

Conditions:
Neurodevelopmental disorder with language impairment and behavioral abnormalities. Also called: GRIA2-related neurodevelopmental disorder. Identifiers: MedGen C5394502, MONDO:0030060, OMIM 618917.

Submission:

Victorian Clinical Genetics Services, Murdoch Childrens Research Institute
Classification: Uncertain significance for Neurodevelopmental disorder with language impairment and behavioral abnormalities. Last evaluated: 2025-10-29. Review status: criteria provided, single submitter. Criteria: ACMG Guidelines, 2015. Collection method: clinical testing. Allele origin: germline. Affected: yes.
Comment: This variant is classified as VUS-3A. Evidence in support of pathogenic classification: Variant is absent from gnomAD (v2, v3 and v4); Missense variant predicted to be damaging by in silico tool(s) or highly conserved with a major amino acid change. Additional information: Variant is predicted to result in a missense amino acid change from Asp to Tyr; This variant is heterozygous; This gene is associated with autosomal dominant disease; Alternative amino acid change(s) at the same position are present in gnomAD (Highest allele count: v2: 1 heterozygote(s), 0 homozygote(s)); Previous evidence of pathogenicity for this variant is inconclusive. This variant has been reported in the literature as de novo in an individual from a biliary atresia cohort; however, further phenotypic information was not provided (PMID: 32066793); No published evidence of segregation with disease has been identified for this variant; No published functional evidence has been identified for this variant; No comparable missense variants have previous evidence for pathogenicity; Variant is not located in an established domain, motif, hotspot or informative constraint region; Loss of function is a known mechanism of disease in this gene and is associated with neurodevelopmental disorder with language impairment and behavioural abnormalities (MIM#618917). Gain of function has also been suggested as the mechanism of disease for one missense variant (PMID: 31300657); Inheritance information for this variant is not currently available in this individual.

Literature cited by the submitters: PubMed 31300657; PubMed 32066793.

NM_001083619.3(GRIA2):c.112G>T (p.Asp38Tyr)

Gene: GRIA2 (glutamate ionotropic receptor AMPA type subunit 2; plus strand). Cytogenetic location: 4q32.1.
Variant type: single nucleotide variant.
Coding change: c.112G>T on transcript NM_001083619.3 (MANE Select); coding-DNA position 112, G replaced by T.
Protein change: p.Asp38Tyr; replaces aspartic acid 38 with tyrosine.
Molecular consequence: missense variant. On other transcripts: 5 prime UTR variant (3).
Genome position (GRCh38, 1-based): chr4:157,221,690, G>T. VCF-style: chr4-157221690-G-T. GRCh37 (hg19) VCF-style: chr4-158142842-G-T.
Other names: c.112G>T, p.Asp38Tyr (NM_000826.6); c.-30G>T (NM_001083620.3, NM_001379000.3, NM_001379001.3); short protein forms D38Y.
Identifiers: ClinVar variation 4531935 (VCV004531935.1).